The following is an entry in ClinVar:

NM_002485.5(NBN):c.442A>G (p.Thr148Ala)

Gene: NBN (nibrin; minus strand). Cytogenetic location: 8q21.3.
Variant type: single nucleotide variant.
Coding change: c.442A>G on transcript NM_002485.5 (MANE Select); coding-DNA position 442, A replaced by G.
Protein change: p.Thr148Ala; replaces threonine 148 with alanine.
Molecular consequence: missense variant.
Genome position (GRCh38, 1-based): chr8:89,980,772, T>C on the plus strand (A>G on the coding strand, the complement: NBN is on the minus strand). VCF-style: chr8-89980772-T-C. GRCh37 (hg19) VCF-style: chr8-90993000-T-C.
Other names: c.196A>G, p.Thr66Ala (NM_001024688.3); short protein forms T148A, T66A.
Identifiers: ClinVar variation 411773 (VCV000411773.24), dbSNP rs1060503479, ClinGen allele CA16612552.

ClinVar aggregate classification (germline): Uncertain significance. Review status: criteria provided, multiple submitters, no conflicts (2 of 4 stars). 6 submissions from 6 submitters: Uncertain significance (5). 1 of the submissions does not count toward it. Last evaluated 2026-01-30.

Conditions:
Hereditary cancer-predisposing syndrome. Also called: Hereditary neoplastic syndrome; Neoplastic Syndromes, Hereditary; Tumor predisposition; Hereditary Cancer Syndrome. Identifiers: Orphanet 140162, MedGen C0027672, MeSH D009386, MONDO:0015356.
Microcephaly, normal intelligence and immunodeficiency (NBS). Also called: IMMUNODEFICIENCY, MICROCEPHALY, AND CHROMOSOMAL INSTABILITY; SEEMANOVA SYNDROME II; Immunodeficiency, microcephaly with normal intelligence; Ataxia telangiectasia variant V1; Nijmegen breakage syndrome; Microcephaly with normal intelligence immunodeficiency and lymphoreticular malignancies. Identifiers: Orphanet 647, MedGen C0398791, MONDO:0009623, OMIM 251260.

Allele frequency attached by ClinVar (database versions not stated): gnomAD exomes below 0.00001.
gnomAD v4.1: 1 of 1,613,466 alleles (0.000062%); highest among the groups gnomAD compares: Middle Eastern, 0.017%; no homozygotes.

Submissions (6):

Labcorp Genetics (formerly Invitae), Labcorp
Classification: Uncertain significance for Microcephaly, normal intelligence and immunodeficiency. Last evaluated: 2026-01-30. Review status: criteria provided, single submitter. Criteria: Invitae Variant Classification Sherloc (09022015). Collection method: clinical testing. Allele origin: germline.
Comment: This sequence change replaces threonine, which is neutral and polar, with alanine, which is neutral and non-polar, at codon 148 of the NBN protein (p.Thr148Ala). This variant is not present in population databases (gnomAD no frequency). This missense change has been observed in individual(s) with clinical features of Nijmegen breakage syndrome (PMID: 31729086). ClinVar contains an entry for this variant (Variation ID: 411773). An algorithm developed to predict the effect of missense changes on protein structure and function (PolyPhen-2) suggests that this variant is likely to be disruptive. Experimental studies have shown that this missense change affects NBN function (PMID: 31729086). In summary, the available evidence is currently insufficient to determine the role of this variant in disease. Therefore, it has been classified as a Variant of Uncertain Significance.

Women's Health and Genetics/Laboratory Corporation of America, LabCorp
Classification: Uncertain significance. Last evaluated: 2024-10-02. Review status: criteria provided, single submitter. Criteria: LabCorp Variant Classification Summary - May 2015. Collection method: clinical testing. Allele origin: germline.
Comment: Variant summary: NBN c.442A>G (p.Thr148Ala) results in a non-conservative amino acid change located in the BRCT domain (BRCT domain) of the encoded protein sequence. Five of five in-silico tools predict a damaging effect of the variant on protein function. The variant was absent in 251282 control chromosomes. The available data on variant occurrences in the general population are insufficient to allow any conclusion about variant significance. c.442A>G has been reported in the literature in three homozygous individuals affected with infertility (Fivet_2020) but has not been reported in any individuals with Nijmegen Breakage Syndrome. These report(s) do not provide unequivocal conclusions about association of the variant with Nijmegen Breakage Syndrome. To our knowledge, no experimental evidence demonstrating an impact on protein function has been reported. The following publication have been ascertained in the context of this evaluation (PMID: 31729086). ClinVar contains an entry for this variant (Variation ID: 411773). Based on the evidence outlined above, the variant was classified as uncertain significance.

Ambry Genetics
Classification: Uncertain significance for Hereditary cancer-predisposing syndrome. Last evaluated: 2023-03-02. Review status: criteria provided, single submitter. Criteria: Ambry Variant Classification Scheme 2023. Collection method: clinical testing. Allele origin: germline.
Comment: The p.T148A variant (also known as c.442A>G), located in coding exon 4 of the NBN gene, results from an A to G substitution at nucleotide position 442. The threonine at codon 148 is replaced by alanine, an amino acid with similar properties. This amino acid position is highly conserved in available vertebrate species. In addition, this alteration is predicted to be deleterious by in silico analysis. Since supporting evidence is limited at this time, the clinical significance of this alteration remains unclear.

Mendelics
Classification: Uncertain significance. Last evaluated: 2022-05-04. Review status: criteria provided, single submitter. Criteria: Mendelics Assertion Criteria 2019. Collection method: clinical testing. Allele origin: germline.

Genome-Nilou Lab
Classification: Uncertain significance for Microcephaly, normal intelligence and immunodeficiency. Last evaluated: 2021-11-07. Review status: criteria provided, single submitter. Criteria: ACMG Guidelines, 2015. Collection method: clinical testing. Allele origin: germline. Affected: no.

Natera, Inc.
Classification: Uncertain significance for Nijmegen breakage syndrome. Last evaluated: 2021-09-17. Review status: no assertion criteria provided. Collection method: clinical testing. Allele origin: germline. Not counted in ClinVar's aggregate classification.

Literature cited by the submitters: PubMed 31729086 (cited by Labcorp Genetics (formerly Invitae), Labcorp and Women's Health and Genetics/Laboratory Corporation of America, LabCorp).